The following is an entry in ClinVar:

NM_002076.4(GNS):c.1355A>G (p.Tyr452Cys)

Gene: GNS (glucosamine (N-acetyl)-6-sulfatase; minus strand). Cytogenetic location: 12q14.3.
Variant type: single nucleotide variant.
Coding change: c.1355A>G on transcript NM_002076.4 (MANE Select); coding-DNA position 1355, A replaced by G.
Protein change: p.Tyr452Cys; replaces tyrosine 452 with cysteine.
Molecular consequence: missense variant.
Genome position (GRCh38, 1-based): chr12:64,721,659, T>C on the plus strand (A>G on the coding strand, the complement: GNS is on the minus strand). VCF-style: chr12-64721659-T-C. GRCh37 (hg19) VCF-style: chr12-65115439-T-C.
Other names: short protein forms Y452C.
Identifiers: ClinVar variation 4979927 (VCV004979927.1).
Genomic context (GRCh38, chr12:64,721,659, plus strand): 5'-TGGTCATCAAACTCGCAATACTGCAAATTCCACAATGCTGACATTGTCCTCACACAGGCA[T>C]AGGTATTGTTATAAGCATCTTCACATACACAGTCTGGGAAGCATTGCTGTAGGGATATTT-3'
Protein context (NP_002067.1, residues 442-462): CVCEDAYNNT[Tyr452Cys]ACVRTMSALW

ClinVar aggregate classification (germline): Uncertain significance (1 of 4 stars; one submission).

Conditions:
GNS-related disorder. Also called: GNS-related condition.

gnomAD v4.1: 9 of 1,598,280 alleles (0.00056%); highest among the groups gnomAD compares: East Asian, 0.0067%; no homozygotes.

Submission:

PreventionGenetics, part of Exact Sciences
Classification: Uncertain significance for GNS-related condition. Last evaluated: 2026-07-07. Review status: criteria provided, single submitter. Criteria: ACMG Guidelines, 2015. Collection method: clinical testing. Allele origin: germline.
Comment: The GNS c.1355A>G variant is predicted to result in the amino acid substitution p.Tyr452Cys. To our knowledge, this variant has not been reported in the literature. This variant is reported in 0.0054% of alleles in individuals of East Asian descent in gnomAD. At this time, the clinical significance of this variant is uncertain due to the absence of conclusive functional and genetic evidence.